The following is an entry in ClinVar:

ClinVar aggregate classification (germline): Uncertain significance (1 of 4 stars; one submission).

Allele frequency attached by ClinVar (database versions not stated): gnomAD exomes 0.00001; ExAC 0.00002; TOPMed 0.00002.
gnomAD v4.1: 15 of 1,613,666 alleles (0.00093%); highest among the groups gnomAD compares: Admixed American, 0.0017%; no homozygotes.

Submission:

Labcorp Genetics (formerly Invitae), Labcorp
Classification: Uncertain significance. Last evaluated: 2025-11-18. Review status: criteria provided, single submitter. Criteria: Invitae Variant Classification Sherloc (09022015). Collection method: clinical testing. Allele origin: germline.
Comment: This sequence change replaces glutamic acid, which is acidic and polar, with lysine, which is basic and polar, at codon 49 of the DUOX2 protein (p.Glu49Lys). This variant is present in population databases (rs756746436, gnomAD 0.003%). This variant has not been reported in the literature in individuals affected with DUOX2-related conditions. ClinVar contains an entry for this variant (Variation ID: 1488513). Invitae Evidence Modeling of protein sequence and biophysical properties (such as structural, functional, and spatial information, amino acid conservation, physicochemical variation, residue mobility, and thermodynamic stability) indicates that this missense variant is not expected to disrupt DUOX2 protein function with a negative predictive value of 80%. In summary, the available evidence is currently insufficient to determine the role of this variant in disease. Therefore, it has been classified as a Variant of Uncertain Significance.

NM_001363711.2(DUOX2):c.145G>A (p.Glu49Lys)

Gene: DUOX2 (dual oxidase 2; minus strand). Cytogenetic location: 15q21.1.
Variant type: single nucleotide variant.
Coding change: c.145G>A on transcript NM_001363711.2 (MANE Select); coding-DNA position 145, G replaced by A.
Protein change: p.Glu49Lys; replaces glutamic acid 49 with lysine.
Molecular consequence: missense variant.
Genome position (GRCh38, 1-based): chr15:45,113,002, C>T on the plus strand (G>A on the coding strand, the complement: DUOX2 is on the minus strand). VCF-style: chr15-45113002-C-T. GRCh37 (hg19) VCF-style: chr15-45405200-C-T.
Other names: c.145G>A, p.Glu49Lys (NM_014080.5); short protein forms E49K.
Identifiers: ClinVar variation 1488513 (VCV001488513.6), dbSNP rs756746436, ClinGen allele CA7539120.
Genomic context (GRCh38, chr15:45,113,002, plus strand): 5'-CTTCGCGAGCCACGGCCCCAGCACGCCCGGGCCCCCAGAACGCACCAACAGCACCACGCT[C>T]GTGGTGCCTCAGGTTGTTAAACCAGCCGTCATAGCGCTGCACTTCCCAGGGCAGTGAGAG-3'
Protein context (NP_001350640.1, residues 39-59): DGWFNNLRHH[Glu49Lys]RGAVGCRLQR